The following is an entry in ClinVar:

NM_130466.4(UBE3B):c.2322C>G (p.Leu774=)

Gene: UBE3B (ubiquitin protein ligase E3B; plus strand). Cytogenetic location: 12q24.11.
Variant type: single nucleotide variant.
Coding change: c.2322C>G on transcript NM_130466.4 (MANE Select); coding-DNA position 2322, C replaced by G.
Protein change: p.Leu774=; no amino-acid change (leucine 774 retained).
Molecular consequence: synonymous variant.
Genome position (GRCh38, 1-based): chr12:109,521,509, C>G. VCF-style: chr12-109521509-C-G. GRCh37 (hg19) VCF-style: chr12-109959314-C-G.
Other names: c.2322C>G, p.Leu774= (NM_183415.3).
Identifiers: ClinVar variation 2643275 (VCV002643275.27), dbSNP rs374804291, ClinGen allele CA6778174.

ClinVar aggregate classification (germline): Likely benign. Review status: criteria provided, multiple submitters, no conflicts (2 of 4 stars). 2 submissions from 2 submitters: Likely benign (2). Last evaluated 2025-11-01.

Allele frequency attached by ClinVar (database versions not stated): gnomAD 0.00001; ExAC 0.00003; TOPMed 0.00003; ESP Exome Variant Server 0.00008; gnomAD exomes 0.00007.
gnomAD v4.1: 106 of 1,601,432 alleles (0.0066%); highest among the groups gnomAD compares: Non-Finnish European, 0.009%; no homozygotes.

Submissions (2):

Labcorp Genetics (formerly Invitae), Labcorp
Classification: Likely benign. Last evaluated: 2025-11-01. Review status: criteria provided, single submitter. Criteria: Invitae Variant Classification Sherloc (09022015). Collection method: clinical testing. Allele origin: germline.

CeGaT Center for Human Genetics Tuebingen
Classification: Likely benign. Last evaluated: 2023-10-01. Review status: criteria provided, single submitter. Criteria: CeGaT Center For Human Genetics Tuebingen Variant Classification Criteria Version 2. Collection method: clinical testing. Allele origin: germline. Affected: yes. Observed: 1 variant allele.
Comment: UBE3B: BP4, BP7